The following is an entry in ClinVar:

NM_006277.3(ITSN2):c.1525C>T (p.Leu509Phe)

Gene: ITSN2 (intersectin 2; minus strand). Cytogenetic location: 2p23.3.
Variant type: single nucleotide variant.
Coding change: c.1525C>T on transcript NM_006277.3 (MANE Select); coding-DNA position 1525, C replaced by T.
Protein change: p.Leu509Phe; replaces leucine 509 with phenylalanine.
Molecular consequence: missense variant.
Genome position (GRCh38, 1-based): chr2:24,295,774, G>A on the plus strand (C>T on the coding strand, the complement: ITSN2 is on the minus strand). VCF-style: chr2-24295774-G-A. GRCh37 (hg19) VCF-style: chr2-24518643-G-A.
Other names: c.1483C>T, p.Leu495Phe (NM_001348181.2, NM_001348184.2); c.1525C>T, p.Leu509Phe (NM_001348182.2, NM_001348183.2, NM_001348185.2 and 3 more transcripts); short protein forms L495F, L509F.
Identifiers: ClinVar variation 2754635 (VCV002754635.3), dbSNP rs183568596, ClinGen allele CA1551449.

ClinVar aggregate classification (germline): Uncertain significance (1 of 4 stars; one submission).

Allele frequency attached by ClinVar (database versions not stated): ExAC 0.00001; gnomAD 0.00001; 1000 Genomes Project 30x 0.00016; 1000 Genomes Project 0.00020.
gnomAD v4.1: 2 of 1,559,798 alleles (0.00013%); highest among the groups gnomAD compares: Non-Finnish European, 0.00017%; no homozygotes.

Submission:

Labcorp Genetics (formerly Invitae), Labcorp
Classification: Uncertain significance. Last evaluated: 2023-08-23. Review status: criteria provided, single submitter. Criteria: Invitae Variant Classification Sherloc (09022015). Collection method: clinical testing. Allele origin: germline.
Comment: In summary, the available evidence is currently insufficient to determine the role of this variant in disease. Therefore, it has been classified as a Variant of Uncertain Significance. Experimental studies and prediction algorithms are not available or were not evaluated, and the functional significance of this variant is currently unknown. This variant has not been reported in the literature in individuals affected with ITSN2-related conditions. This variant is present in population databases (rs183568596, gnomAD 0.002%). This sequence change replaces leucine, which is neutral and non-polar, with phenylalanine, which is neutral and non-polar, at codon 509 of the ITSN2 protein (p.Leu509Phe).